The following is an entry in ClinVar:

NM_019593.5(GPCPD1):c.1025C>G (p.Thr342Ser)

Gene: GPCPD1 (glycerophosphocholine phosphodiesterase 1; minus strand). Cytogenetic location: 20p12.3.
Variant type: single nucleotide variant.
Coding change: c.1025C>G on transcript NM_019593.5 (MANE Select); coding-DNA position 1025, C replaced by G.
Protein change: p.Thr342Ser; replaces threonine 342 with serine.
Molecular consequence: missense variant.
Genome position (GRCh38, 1-based): chr20:5,573,946, G>C on the plus strand (C>G on the coding strand, the complement: GPCPD1 is on the minus strand). VCF-style: chr20-5573946-G-C. GRCh37 (hg19) VCF-style: chr20-5554592-G-C.
Other names: short protein forms T342S.
Identifiers: ClinVar variation 3026022 (VCV003026022.22), dbSNP rs761860780, ClinGen allele CA9754861.
Genomic context (GRCh38, chr20:5,573,946, plus strand): 5'-CAGTCTAAAGTTGTTTAAAGGTTACTTACATGACTAGCAGCATTTCTTAAAGAAGCAATA[G>C]TATTTTCTTGAACTTTAGCCAGCCTGAAAAGAAGAAATACAGTTAACATAGACTATAGAG-3'
Protein context (NP_062539.1, residues 332-352): TAQLAKVQEN[Thr342Ser]IASLRNAASH

ClinVar aggregate classification (germline): Uncertain significance (1 of 4 stars; one submission).

Allele frequency attached by ClinVar (database versions not stated): gnomAD 0.00001; TOPMed 0.00001; ExAC 0.00002.
gnomAD v4.1: 9 of 1,516,472 alleles (0.00059%); highest among the groups gnomAD compares: East Asian, 0.0068%; no homozygotes.

Submission:

CeGaT Center for Human Genetics Tuebingen
Classification: Uncertain significance. Last evaluated: 2024-01-01. Review status: criteria provided, single submitter. Criteria: CeGaT Center For Human Genetics Tuebingen Variant Classification Criteria Version 2. Collection method: clinical testing. Allele origin: germline. Affected: yes. Observed: 1 variant allele.
Comment: GPCPD1: PM2